The following is an entry in ClinVar:

ClinVar aggregate classification (germline): Uncertain significance (1 of 4 stars; one submission).

Submission:

Labcorp Genetics (formerly Invitae), Labcorp
Classification: Uncertain significance. Last evaluated: 2021-12-25. Review status: criteria provided, single submitter. Criteria: Invitae Variant Classification Sherloc (09022015). Collection method: clinical testing. Allele origin: germline.
Comment: In summary, the available evidence is currently insufficient to determine the role of this variant in disease. Therefore, it has been classified as a Variant of Uncertain Significance. This sequence change replaces aspartic acid, which is acidic and polar, with tyrosine, which is neutral and polar, at codon 208 of the KCNV2 protein (p.Asp208Tyr). This variant is not present in population databases (gnomAD no frequency). This variant has not been reported in the literature in individuals affected with KCNV2-related conditions. Algorithms developed to predict the effect of missense changes on protein structure and function (SIFT, PolyPhen-2, Align-GVGD) all suggest that this variant is likely to be disruptive.

NM_133497.4(KCNV2):c.622G>T (p.Asp208Tyr)

Gene: KCNV2 (potassium voltage-gated channel modifier subfamily V member 2; plus strand). Cytogenetic location: 9p24.2.
Variant type: single nucleotide variant.
Coding change: c.622G>T on transcript NM_133497.4 (MANE Select); coding-DNA position 622, G replaced by T.
Protein change: p.Asp208Tyr; replaces aspartic acid 208 with tyrosine.
Molecular consequence: missense variant.
Genome position (GRCh38, 1-based): chr9:2,718,361, G>T. VCF-style: chr9-2718361-G-T. GRCh37 (hg19) VCF-style: chr9-2718361-G-T.
Other names: short protein forms D208Y.
Identifiers: ClinVar variation 2060202 (VCV002060202.4), dbSNP rs1184204509, ClinGen allele CA372798555.